The following is an entry in ClinVar:

NM_001374736.1(DST):c.21689C>T (p.Ala7230Val)

Gene: DST (dystonin; minus strand). Cytogenetic location: 6p12.1.
Variant type: single nucleotide variant.
Coding change: c.21689C>T on transcript NM_001374736.1 (MANE Select); coding-DNA position 21689, C replaced by T.
Protein change: p.Ala7230Val; replaces alanine 7230 with valine.
Molecular consequence: missense variant.
Genome position (GRCh38, 1-based): chr6:56,476,324, G>A on the plus strand (C>T on the coding strand, the complement: DST is on the minus strand). VCF-style: chr6-56476324-G-A. GRCh37 (hg19) VCF-style: chr6-56341122-G-A.
Other names: c.15332C>T, p.Ala5111Val (NM_001144769.5); c.14918C>T, p.Ala4973Val (NM_001144770.2); c.21689C>T, p.Ala7230Val (NM_001374722.1); c.20729C>T, p.Ala6910Val (NM_001374729.1); c.14471C>T, p.Ala4824Val (NM_001374730.1); c.21716C>T, p.Ala7239Val (NM_001374734.1); c.14798C>T, p.Ala4933Val (NM_001386100.1, NM_183380.4); c.13820C>T, p.Ala4607Val (NM_015548.5); short protein forms A4607V, A4824V, A4933V, A4973V, A5111V, A6910V, A7230V, A7239V.
Identifiers: ClinVar variation 1055175 (VCV001055175.9), dbSNP rs780577131, ClinGen allele CA3866403.

ClinVar aggregate classification (germline): Uncertain significance. Review status: criteria provided, multiple submitters, no conflicts (2 of 4 stars). 2 submissions from 2 submitters: Uncertain significance (2). Last evaluated 2022-05-30.

Conditions:
Hereditary sensory and autonomic neuropathy type 6. Also called: HSAN VI; Neuropathy, hereditary sensory and autonomic, type VI. Identifiers: Orphanet 314381, MedGen C3539003, MONDO:0013839, OMIM 614653.
Inborn genetic diseases. Identifiers: MedGen C0950123, MeSH D030342.
Epidermolysis bullosa simplex 3, localized or generalized intermediate, with BP230 deficiency (EBS3). Also called: Epidermolysis bullosa simplex due to BP230 deficiency; Epidermolysis bullosa simplex, autosomal recessive 2. Identifiers: Orphanet 412181, MedGen C3809470, MONDO:0014180, OMIM 615425.

Allele frequency attached by ClinVar (database versions not stated): gnomAD 0.00001; TOPMed 0.00002; ExAC 0.00003; gnomAD exomes 0.00003 and 0.00004.
gnomAD v4.1: 48 of 1,594,600 alleles (0.003%); highest among the groups gnomAD compares: Non-Finnish European, 0.0037%; no homozygotes.

Submissions (2):

Labcorp Genetics (formerly Invitae), Labcorp
Classification: Uncertain significance for Epidermolysis bullosa simplex 3, localized or generalized intermediate, with BP230 deficiency; Hereditary sensory and autonomic neuropathy type 6. Last evaluated: 2022-05-30. Review status: criteria provided, single submitter. Criteria: Invitae Variant Classification Sherloc (09022015). Collection method: clinical testing. Allele origin: germline.
Comment: The DST gene has multiple clinically relevant transcripts. This variant occurs in alternate transcript NM_015548.4, and corresponds to NM_001723.5:c.*139193C>T in the primary transcript. This sequence change replaces alanine, which is neutral and non-polar, with valine, which is neutral and non-polar, at codon 4607 of the DST protein (p.Ala4607Val). This variant is present in population databases (rs780577131, gnomAD 0.006%). This variant has not been reported in the literature in individuals affected with DST-related conditions. Experimental studies and prediction algorithms are not available or were not evaluated, and the functional significance of this variant is currently unknown. Algorithms developed to predict the effect of sequence changes on RNA splicing suggest that this variant may create or strengthen a splice site. In summary, the available evidence is currently insufficient to determine the role of this variant in disease. Therefore, it has been classified as a Variant of Uncertain Significance.

Ambry Genetics
Classification: Uncertain significance for Inborn genetic diseases. Last evaluated: 2021-06-18. Review status: criteria provided, single submitter. Criteria: Ambry Variant Classification Scheme 2023. Collection method: clinical testing. Allele origin: germline.
Comment: The p.A5111V variant (also known as c.15332C>T), located in coding exon 86 of the DST gene, results from a C to T substitution at nucleotide position 15332. The alanine at codon 5111 is replaced by valine, an amino acid with similar properties. This amino acid position is highly conserved in available vertebrate species. In addition, the in silico prediction for this alteration is inconclusive. Since supporting evidence is limited at this time, the clinical significance of this alteration remains unclear.